The following is an entry in ClinVar:

NM_000321.3(RB1):c.1486G>C (p.Ala496Pro)

Gene: RB1 (RB transcriptional corepressor 1; plus strand). Cytogenetic location: 13q14.2.
Variant type: single nucleotide variant.
Coding change: c.1486G>C on transcript NM_000321.3 (MANE Select); coding-DNA position 1486, G replaced by C.
Protein change: p.Ala496Pro; replaces alanine 496 with proline.
Molecular consequence: missense variant.
Genome position (GRCh38, 1-based): chr13:48,380,229, G>C. VCF-style: chr13-48380229-G-C. GRCh37 (hg19) VCF-style: chr13-48954365-G-C.
Other names: c.1486G>C, p.Ala496Pro (NM_001407165.1, NM_001407166.1); short protein forms A496P.
Identifiers: ClinVar variation 1773678 (VCV001773678.2), dbSNP rs1366675428, ClinGen allele CA388162901.
Genomic context (GRCh38, chr13:48,380,229, plus strand): 5'-CTTCTGAATGACAACATTTTTCATATGTCTTTATTGGCGTGCGCTCTTGAGGTTGTAATG[G>C]CCACATATAGCAGTAAGTTAAATTTTCATAAATAAACACTTTTGTTCAATTTAAAGTTAA-3'
Protein context (NP_000312.2, residues 486-506): LLACALEVVM[Ala496Pro]TYSRSTSQNL

ClinVar aggregate classification (germline): Uncertain significance (1 of 4 stars; one submission).

Conditions:
Hereditary cancer-predisposing syndrome. Also called: Hereditary Cancer Syndrome; Hereditary neoplastic syndrome; Neoplastic Syndromes, Hereditary; Tumor predisposition. Identifiers: Orphanet 140162, MedGen C0027672, MeSH D009386, MONDO:0015356.

Submission:

Ambry Genetics
Classification: Uncertain significance for Hereditary cancer-predisposing syndrome. Last evaluated: 2022-09-10. Review status: criteria provided, single submitter. Criteria: Ambry Variant Classification Scheme 2023. Collection method: clinical testing. Allele origin: germline.
Comment: The p.A496P variant (also known as c.1486G>C), located in coding exon 16 of the RB1 gene, results from a G to C substitution at nucleotide position 1486. The alanine at codon 496 is replaced by proline, an amino acid with highly similar properties. This amino acid position is conserved. In addition, this alteration is predicted to be deleterious by in silico analysis. Since supporting evidence is limited at this time, the clinical significance of this alteration remains unclear.